The following is an entry in ClinVar:

ClinVar aggregate classification (germline): Likely pathogenic (1 of 4 stars; one submission).

Conditions:
Autosomal recessive limb-girdle muscular dystrophy type 2J (LGMDR10). Also called: Limb-girdle muscular dystrophy, type 2J; MUSCULAR DYSTROPHY, LIMB-GIRDLE, AUTOSOMAL RECESSIVE 10. Identifiers: Orphanet 140922, MedGen C1837342, MONDO:0012127, OMIM 608807.
Dilated cardiomyopathy 1G (CMD1G). Identifiers: Orphanet 154, MedGen C1858763, MONDO:0011400, OMIM 604145.

Submission:

Labcorp Genetics (formerly Invitae), Labcorp
Classification: Likely pathogenic for Dilated cardiomyopathy 1G; Autosomal recessive limb-girdle muscular dystrophy type 2J. Last evaluated: 2024-10-18. Review status: criteria provided, single submitter. Criteria: Invitae Variant Classification Sherloc (09022015). Collection method: clinical testing. Allele origin: germline.
Comment: This sequence change creates a premature translational stop signal (p.Gln4763Argfs*25) in the TTN gene. While this is not anticipated to result in nonsense mediated decay, it is expected to create a truncated TTN protein. This variant is not present in population databases (gnomAD no frequency). This variant has not been reported in the literature in individuals affected with TTN-related conditions. ClinVar contains an entry for this variant (Variation ID: 582673). This variant is located in the I band of TTN (PMID: 25589632). Truncating variants in this region have been reported in individuals affected with autosomal recessive centronuclear myopathy (PMID: 23975875, internal data). Truncating variants in this region have also been identified in individuals affected with autosomal dominant dilated cardiomyopathy and/or cardio-related conditions (PMID: 27869827, 32964742, internal data). In summary, the currently available evidence indicates that the variant is pathogenic, but additional data are needed to prove that conclusively. Therefore, this variant has been classified as Likely Pathogenic.

Literature cited by the submitters: PubMed 25589632; PubMed 23975875; PubMed 27869827; PubMed 32964742.

NM_001267550.2(TTN):c.14287del (p.Gln4763fs)

Gene: TTN (titin; minus strand). Cytogenetic location: 2q31.2.
Variant type: Deletion.
Coding change: c.14287del on transcript NM_001267550.2 (MANE Select); coding-DNA position 14287, one base deleted (C; older notation c.14287delC).
Protein change: p.Gln4763fs; shifts the reading frame from glutamine 4763.
Molecular consequence: frameshift variant.
Genome position (GRCh38, 1-based): chr2:178,738,166, G deleted on the plus strand (C on the coding strand, the reverse complement: TTN is on the minus strand); the first of 3 consecutive G bases (chr2:178,738,166-178,738,168); deleting any one gives the same sequence. VCF-style (leftmost placement, unchanged base first): chr2-178738165-TG-T. GRCh37 (hg19) VCF-style: chr2-179602892-TG-T.
Other names: c.13336del, p.Gln4446fs (NM_001256850.1); c.13198del, p.Gln4400fs (NM_003319.4); c.10555del, p.Gln3519fs (NM_133378.4); c.13573del, p.Gln4525fs (NM_133432.3); c.13774del, p.Gln4592fs (NM_133437.4); c.14287delC (NM_001267550.2); short protein forms Q3519fs, Q4446fs, Q4592fs, Q4400fs, Q4525fs, Q4763fs.
Identifiers: ClinVar variation 582673 (VCV000582673.9), dbSNP rs1560880125, ClinGen allele CA891843154.